The following is an entry in ClinVar:

NM_001447.3(FAT2):c.9910G>A (p.Val3304Met)

Genes: FAT2 (FAT atypical cadherin 2; minus strand), SLC36A1 (solute carrier family 36 member 1; plus strand). Cytogenetic location: 5q33.1.
Variant type: single nucleotide variant.
Coding change: c.9910G>A on transcript NM_001447.3 (MANE Select); coding-DNA position 9910, G replaced by A.
Protein change: p.Val3304Met; replaces valine 3304 with methionine.
Molecular consequence: missense variant.
Genome position (GRCh38, 1-based): chr5:151,529,294, C>T on the plus strand (G>A on the coding strand, the complement: FAT2 is on the minus strand). VCF-style: chr5-151529294-C-T. GRCh37 (hg19) VCF-style: chr5-150908855-C-T.
Other names: c.9910G>A (NM_001447.2); short protein forms V3304M.
Identifiers: ClinVar variation 2187345 (VCV002187345.6), dbSNP rs189759440, ClinGen allele CA3520423.

ClinVar aggregate classification (germline): Conflicting classifications of pathogenicity. Review status: criteria provided, conflicting classifications (1 of 4 stars). 3 submissions from 3 submitters: Uncertain significance (1); Likely benign (2). Last evaluated 2025-01-06.

Allele frequency attached by ClinVar (database versions not stated): gnomAD exomes 0.00005; ESP Exome Variant Server 0.00008; ExAC 0.00010; gnomAD 0.00029; 1000 Genomes Project 30x 0.00031; TOPMed 0.00031; 1000 Genomes Project 0.00040.
gnomAD v4.1: 125 of 1,614,006 alleles (0.0077%); highest among the groups gnomAD compares: African/African-American, 0.061%; no homozygotes.

Submissions (3):

Labcorp Genetics (formerly Invitae), Labcorp
Classification: Uncertain significance. Last evaluated: 2025-01-06. Review status: criteria provided, single submitter. Criteria: Invitae Variant Classification Sherloc (09022015). Collection method: clinical testing. Allele origin: germline.
Comment: This sequence change replaces valine, which is neutral and non-polar, with methionine, which is neutral and non-polar, at codon 3304 of the FAT2 protein (p.Val3304Met). This variant is present in population databases (rs189759440, gnomAD 0.06%), and has an allele count higher than expected for a pathogenic variant. This variant has not been reported in the literature in individuals affected with FAT2-related conditions. ClinVar contains an entry for this variant (Variation ID: 2187345). An algorithm developed to predict the effect of missense changes on protein structure and function outputs the following: PolyPhen-2: "Benign". The methionine amino acid residue is found in multiple mammalian species, which suggests that this missense change does not adversely affect protein function. In summary, the available evidence is currently insufficient to determine the role of this variant in disease. Therefore, it has been classified as a Variant of Uncertain Significance.

Ambry Genetics
Classification: Likely benign. Last evaluated: 2024-01-09. Review status: criteria provided, single submitter. Criteria: Ambry Variant Classification Scheme 2023. Collection method: clinical testing. Allele origin: germline.

Blueprint Genetics
Classification: Likely benign. Last evaluated: 2022-10-13. Review status: criteria provided, single submitter. Criteria: ACMG Guidelines, 2015. Collection method: clinical testing. Allele origin: germline.